The following is an entry in ClinVar:

NM_001267550.2(TTN):c.10241del (p.Tyr3414fs)

Gene: TTN (titin; minus strand). Cytogenetic location: 2q31.2.
Variant type: Deletion.
Coding change: c.10241del on transcript NM_001267550.2 (MANE Select); coding-DNA position 10241, one base deleted (A; older notation c.10241delA).
Protein change: p.Tyr3414fs; shifts the reading frame from tyrosine 3414.
Molecular consequence: frameshift variant.
Genome position (GRCh38, 1-based): chr2:178,759,046, T deleted on the plus strand (A on the coding strand, the reverse complement: TTN is on the minus strand). VCF-style (leftmost placement, unchanged base first): chr2-178759045-GT-G. GRCh37 (hg19) VCF-style: chr2-179623772-GT-G.
Other names: c.10241del, p.Tyr3414fs (NM_001256850.1, NM_133378.4, NM_133379.5); c.10103del, p.Tyr3368fs (NM_003319.4, NM_133432.3, NM_133437.4); short protein forms Y3368fs, Y3414fs.
Identifiers: ClinVar variation 1404385 (VCV001404385.6), dbSNP rs2154336829, ClinGen allele CA2573133976.

ClinVar aggregate classification (germline): Likely pathogenic (1 of 4 stars; one submission).

Conditions:
Autosomal recessive limb-girdle muscular dystrophy type 2J (LGMDR10). Also called: MUSCULAR DYSTROPHY, LIMB-GIRDLE, AUTOSOMAL RECESSIVE 10; Limb-girdle muscular dystrophy, type 2J. Identifiers: Orphanet 140922, MedGen C1837342, MONDO:0012127, OMIM 608807.
Dilated cardiomyopathy 1G (CMD1G). Identifiers: Orphanet 154, MedGen C1858763, MONDO:0011400, OMIM 604145.

Submission:

Labcorp Genetics (formerly Invitae), Labcorp
Classification: Likely pathogenic for Dilated cardiomyopathy 1G; Autosomal recessive limb-girdle muscular dystrophy type 2J. Last evaluated: 2024-10-28. Review status: criteria provided, single submitter. Criteria: Invitae Variant Classification Sherloc (09022015). Collection method: clinical testing. Allele origin: germline.
Comment: This sequence change creates a premature translational stop signal (p.Tyr3414Serfs*9) in the TTN gene. While this is not anticipated to result in nonsense mediated decay, it is expected to create a truncated TTN protein. This variant is not present in population databases (gnomAD no frequency). This variant has not been reported in the literature in individuals affected with TTN-related conditions. ClinVar contains an entry for this variant (Variation ID: 1404385). This variant is located in the I band of TTN (PMID: 25589632). Truncating variants in this region have been reported in individuals affected with autosomal recessive centronuclear myopathy (PMID: 23975875, internal data). Truncating variants in this region have also been identified in individuals affected with autosomal dominant dilated cardiomyopathy and/or cardio-related conditions (PMID: 27869827, 32964742, internal data). In summary, the currently available evidence indicates that the variant is pathogenic, but additional data are needed to prove that conclusively. Therefore, this variant has been classified as Likely Pathogenic.

Literature cited by the submitters: PubMed 25589632; PubMed 23975875; PubMed 27869827; PubMed 32964742.